The following is an entry in ClinVar:

ClinVar aggregate classification (germline): Uncertain significance (1 of 4 stars; one submission).

Submission:

GeneDx
Classification: Uncertain significance. Last evaluated: 2024-06-12. Review status: criteria provided, single submitter. Criteria: GeneDx Variant Classification Process June 2021. Collection method: clinical testing. Allele origin: germline. Affected: yes.
Comment: Not observed at significant frequency in large population cohorts (gnomAD); In silico analysis supports that this missense variant has a deleterious effect on protein structure/function; Has not been previously published as pathogenic or benign to our knowledge

NM_181672.3(OGT):c.1157A>G (p.Glu386Gly)

Gene: OGT (O-linked N-acetylglucosamine (GlcNAc) transferase; plus strand). Cytogenetic location: Xq13.1.
Variant type: single nucleotide variant.
Coding change: c.1157A>G on transcript NM_181672.3 (MANE Select); coding-DNA position 1157, A replaced by G.
Protein change: p.Glu386Gly; replaces glutamic acid 386 with glycine.
Molecular consequence: missense variant.
Genome position (GRCh38, 1-based): chrX:71,556,771, A>G. VCF-style: chrX-71556771-A-G. GRCh37 (hg19) VCF-style: chrX-70776621-A-G.
Other names: c.1127A>G, p.Glu376Gly (NM_181673.3); short protein forms E376G, E386G.
Identifiers: ClinVar variation 3390451 (VCV003390451.1).
Genomic context (GRCh38, chrX:71,556,771, plus strand): 5'-ATTTAGCAAGTGTACTGCAGCAGCAGGGAAAACTGCAGGAAGCTCTGATGCATTATAAGG[A>G]GGCTATTCGGTAAGAGACACTAACAGCCTTATTTTTAAAATTATTTTTAATTTTAAAATG-3'
Protein context (NP_858058.1, residues 376-396): KLQEALMHYK[Glu386Gly]AIRISPTFAD